The following is an entry in ClinVar:

ClinVar aggregate classification (germline): Uncertain significance. Review status: criteria provided, multiple submitters, no conflicts (2 of 4 stars). 2 submissions from 2 submitters: Uncertain significance (2). Last evaluated 2025-11-20.

Conditions:
Inborn genetic diseases. Identifiers: MedGen C0950123, MeSH D030342.

gnomAD v4.1: 2 of 1,613,808 alleles (0.00012%); highest among the groups gnomAD compares: Admixed American, 0.0033%; no homozygotes.

Submissions (2):

Ambry Genetics
Classification: Uncertain significance for Inborn genetic diseases. Last evaluated: 2025-11-20. Review status: criteria provided, single submitter. Criteria: Ambry Variant Classification Scheme 2023. Collection method: clinical testing. Allele origin: germline.

GeneDx
Classification: Uncertain significance. Last evaluated: 2025-08-05. Review status: criteria provided, single submitter. Criteria: GeneDx Variant Classification Process June 2021. Collection method: clinical testing. Allele origin: germline. Affected: yes.
Comment: Not observed at significant frequency in large population cohorts (gnomAD); In silico analysis suggests that this missense variant does not alter protein structure/function; Has not been previously published as pathogenic or benign to our knowledge

NM_033109.5(PNPT1):c.2304T>A (p.Ser768Arg)

Gene: PNPT1 (polyribonucleotide nucleotidyltransferase 1; minus strand). Cytogenetic location: 2p16.1.
Variant type: single nucleotide variant.
Coding change: c.2304T>A on transcript NM_033109.5 (MANE Select); coding-DNA position 2304, T replaced by A.
Protein change: p.Ser768Arg; replaces serine 768 with arginine.
Molecular consequence: missense variant.
Genome position (GRCh38, 1-based): chr2:55,636,285, A>T on the plus strand (T>A on the coding strand, the complement: PNPT1 is on the minus strand). VCF-style: chr2-55636285-A-T. GRCh37 (hg19) VCF-style: chr2-55863420-A-T.
Other names: c.2304T>A (NM_033109.4); short protein forms S768R.
Identifiers: ClinVar variation 4628089 (VCV004628089.2).